The following is an entry in ClinVar:

NM_000081.4(LYST):c.8882G>A (p.Arg2961His)

Gene: LYST (lysosomal trafficking regulator; minus strand). Cytogenetic location: 1q42.3.
Variant type: single nucleotide variant.
Coding change: c.8882G>A on transcript NM_000081.4 (MANE Select); coding-DNA position 8882, G replaced by A.
Protein change: p.Arg2961His; replaces arginine 2961 with histidine.
Molecular consequence: missense variant.
Genome position (GRCh38, 1-based): chr1:235,731,097, C>T on the plus strand (G>A on the coding strand, the complement: LYST is on the minus strand). VCF-style: chr1-235731097-C-T. GRCh37 (hg19) VCF-style: chr1-235894397-C-T.
Other names: c.8882G>A, p.Arg2961His (NM_001301365.1); short protein forms R2961H.
Identifiers: ClinVar variation 1996771 (VCV001996771.2), dbSNP rs375783616, ClinGen allele CA344950049.
Genomic context (GRCh38, chr1:235,731,097, plus strand): 5'-GATTTCTGTCTATCCCTAAGGAGATACTTATTTGGAATAGTTAAATAACATCTCTGTAAA[C>T]GTCTCCTCTCTCGATTTGGCCCTTCTGTTGGATCCAACTGCCATGAGGTTGGATAGTAGA-3'
Protein context (NP_000072.2, residues 2951-2971): PTEGPNRERR[Arg2961His]LQRCYLTIPN

ClinVar aggregate classification (germline): Uncertain significance (1 of 4 stars; one submission).

Conditions:
Chédiak-Higashi syndrome (CHS). Also called: Chediak-Higashi Syndrome. Identifiers: Orphanet 167, MedGen C0007965, MONDO:0008963, OMIM 214500.

Allele frequency attached by ClinVar (database versions not stated): gnomAD exomes below 0.00001.
gnomAD v4.1: 1 of 1,613,482 alleles (0.000062%); highest among the groups gnomAD compares: Non-Finnish European, 0.000085%; no homozygotes.

Submission:

Labcorp Genetics (formerly Invitae), Labcorp
Classification: Uncertain significance for Chédiak-Higashi syndrome. Last evaluated: 2022-09-01. Review status: criteria provided, single submitter. Criteria: Invitae Variant Classification Sherloc (09022015). Collection method: clinical testing. Allele origin: germline.
Comment: In summary, the available evidence is currently insufficient to determine the role of this variant in disease. Therefore, it has been classified as a Variant of Uncertain Significance. Algorithms developed to predict the effect of missense changes on protein structure and function are either unavailable or do not agree on the potential impact of this missense change (SIFT: "Deleterious"; PolyPhen-2: "Probably Damaging"; Align-GVGD: "Class C0"). This variant has not been reported in the literature in individuals affected with LYST-related conditions. This variant is not present in population databases (gnomAD no frequency). This sequence change replaces arginine, which is basic and polar, with histidine, which is basic and polar, at codon 2961 of the LYST protein (p.Arg2961His).